The following is an entry in ClinVar:

ClinVar aggregate classification (germline): Uncertain significance. Review status: criteria provided, multiple submitters, no conflicts (2 of 4 stars). 3 submissions from 3 submitters: Uncertain significance (3). Last evaluated 2026-01-14.

Conditions:
IL6ST-related disorder. Also called: IL6ST-related condition.

Allele frequency attached by ClinVar (database versions not stated): ExAC 0.00002; gnomAD 0.00002 and 0.00003; TOPMed 0.00004; ESP Exome Variant Server 0.00008; gnomAD exomes 0.00001.
gnomAD v4.1: 21 of 1,601,366 alleles (0.0013%); highest among the groups gnomAD compares: Non-Finnish European, 0.0017%; no homozygotes.

Submissions (3):

Labcorp Genetics (formerly Invitae), Labcorp
Classification: Uncertain significance. Last evaluated: 2026-01-14. Review status: criteria provided, single submitter. Criteria: Invitae Variant Classification Sherloc (09022015). Collection method: clinical testing. Allele origin: germline.
Comment: This sequence change replaces serine, which is neutral and polar, with threonine, which is neutral and polar, at codon 248 of the IL6ST protein (p.Ser248Thr). This variant is present in population databases (rs369812743, gnomAD 0.003%). This variant has not been reported in the literature in individuals affected with IL6ST-related conditions. ClinVar contains an entry for this variant (Variation ID: 1363829). An algorithm developed to predict the effect of missense changes on protein structure and function (PolyPhen-2) suggests that this variant is likely to be tolerated. In summary, the available evidence is currently insufficient to determine the role of this variant in disease. Therefore, it has been classified as a Variant of Uncertain Significance.

Ambry Genetics
Classification: Uncertain significance. Last evaluated: 2025-03-20. Review status: criteria provided, single submitter. Criteria: Ambry Variant Classification Scheme 2023. Collection method: clinical testing. Allele origin: germline.

PreventionGenetics, part of Exact Sciences
Classification: Uncertain significance for IL6ST-related condition. Last evaluated: 2025-03-16. Review status: criteria provided, single submitter. Criteria: ACMG Guidelines, 2015. Collection method: clinical testing. Allele origin: germline.
Comment: The IL6ST c.743G>C variant is predicted to result in the amino acid substitution p.Ser248Thr. To our knowledge, this variant has not been reported in the literature. This variant is reported in 0.0031% of alleles in individuals of European (Non-Finnish) descent in gnomAD. At this time, the clinical significance of this variant is uncertain due to the absence of conclusive functional and genetic evidence.

NM_002184.4(IL6ST):c.743G>C (p.Ser248Thr)

Gene: IL6ST (interleukin 6 cytokine family signal transducer; minus strand). Cytogenetic location: 5q11.2.
Variant type: single nucleotide variant.
Coding change: c.743G>C on transcript NM_002184.4 (MANE Select); coding-DNA position 743, G replaced by C.
Protein change: p.Ser248Thr; replaces serine 248 with threonine.
Molecular consequence: missense variant. On other transcripts: 5 prime UTR variant (3), non-coding transcript variant (2).
Genome position (GRCh38, 1-based): chr5:55,963,422, C>G on the plus strand (G>C on the coding strand, the complement: IL6ST is on the minus strand). VCF-style: chr5-55963422-C-G. GRCh37 (hg19) VCF-style: chr5-55259250-C-G.
Other names: c.743G>C, p.Ser248Thr (NM_001190981.2, NM_001364275.2, NM_175767.3); c.533G>C, p.Ser178Thr (NM_001364276.2); c.-171G>C (NM_001364277.2, NM_001364279.2); c.-161G>C (NM_001364278.2); c.743G>C (NM_002184.3); short protein forms S178T, S248T.
Identifiers: ClinVar variation 1363829 (VCV001363829.10), dbSNP rs369812743, ClinGen allele CA3271625.